The following is an entry in ClinVar:

ClinVar aggregate classification (germline): Uncertain significance (1 of 4 stars; one submission).

Submission:

Labcorp Genetics (formerly Invitae), Labcorp
Classification: Uncertain significance. Last evaluated: 2023-05-30. Review status: criteria provided, single submitter. Criteria: Invitae Variant Classification Sherloc (09022015). Collection method: clinical testing. Allele origin: germline.
Comment: Advanced modeling of protein sequence and biophysical properties (such as structural, functional, and spatial information, amino acid conservation, physicochemical variation, residue mobility, and thermodynamic stability) performed at Invitae indicates that this missense variant is not expected to disrupt NEFH protein function. In summary, the available evidence is currently insufficient to determine the role of this variant in disease. Therefore, it has been classified as a Variant of Uncertain Significance. This variant has not been reported in the literature in individuals affected with NEFH-related conditions. This sequence change replaces alanine, which is neutral and non-polar, with proline, which is neutral and non-polar, at codon 554 of the NEFH protein (p.Ala554Pro). This variant is not present in population databases (gnomAD no frequency).

NM_021076.4(NEFH):c.1660G>C (p.Ala554Pro)

Gene: NEFH (neurofilament heavy chain; plus strand). Cytogenetic location: 22q12.2.
Variant type: single nucleotide variant.
Coding change: c.1660G>C on transcript NM_021076.4 (MANE Select); coding-DNA position 1660, G replaced by C.
Protein change: p.Ala554Pro; replaces alanine 554 with proline.
Molecular consequence: missense variant.
Genome position (GRCh38, 1-based): chr22:29,489,300, G>C. VCF-style: chr22-29489300-G-C. GRCh37 (hg19) VCF-style: chr22-29885289-G-C.
Other names: short protein forms A554P.
Identifiers: ClinVar variation 2752292 (VCV002752292.3), dbSNP rs2063062645, ClinGen allele CA411131231.